The following is an entry in ClinVar:

ClinVar aggregate classification (germline): Pathogenic. Review status: reviewed by expert panel (3 of 4 stars). 13 submissions from 13 submitters: Pathogenic (1). 12 of the submissions do not count toward it. Last evaluated 2016-09-08.

Conditions:
BRCA2-related disorder. Also called: BRCA2-related condition; BRCA2-related disorders. Identifiers: MedGen CN239275.
Hereditary cancer-predisposing syndrome. Also called: Tumor predisposition; Neoplastic Syndromes, Hereditary; Hereditary neoplastic syndrome; Hereditary Cancer Syndrome. Identifiers: Orphanet 140162, MedGen C0027672, MeSH D009386, MONDO:0015356.
Hereditary breast ovarian cancer syndrome. Also called: Hereditary breast and ovarian cancer; BRCA1- and BRCA2-Associated Hereditary Breast and Ovarian Cancer; Hereditary breast and/or ovarian cancer syndrome; Hereditary breast and ovarian cancer syndrome; Breast and ovarian cancer; Hereditary breast and ovarian cancer syndrome (HBOC). Identifiers: Orphanet 145, MedGen C0677776, MeSH D061325, MONDO:0003582. Disease mechanism: loss of function.
Breast-ovarian cancer, familial, susceptibility to, 2 (BROVCA2). Also called: BRCA2 Hereditary Breast and Ovarian Cancer. Identifiers: Orphanet 145, MedGen C2675520, MONDO:0012933, OMIM 612555. Disease mechanism: loss of function.

Allele frequency attached by ClinVar (database versions not stated): gnomAD exomes below 0.00001.
gnomAD v4.1: 2 of 1,613,556 alleles (0.00012%); highest among the groups gnomAD compares: Non-Finnish European, 0.00017%; no homozygotes.

Submissions (13):

Evidence-based Network for the Interpretation of Germline Mutant Alleles (ENIGMA)
Classification: Pathogenic for Breast-ovarian cancer, familial, susceptibility to, 2. Last evaluated: 2016-09-08. Review status: reviewed by expert panel. Criteria: ENIGMA BRCA1/2 Classification Criteria (2015). Collection method: curation. Allele origin: germline.
Comment: Variant allele predicted to encode a truncated non-functional protein.

Ambry Genetics
Classification: Pathogenic for Hereditary cancer-predisposing syndrome. Last evaluated: 2025-09-09. Review status: criteria provided, single submitter. Criteria: Ambry Variant Classification Scheme 2023. Collection method: clinical testing. Allele origin: germline. Not counted in ClinVar's aggregate classification.
Comment: The p.E2924* pathogenic mutation (also known as c.8770G>T), located in coding exon 21 of the BRCA2 gene, results from a G to T substitution at nucleotide position 8770. This changes the amino acid from a glutamic acid to a stop codon within coding exon 21. This variant is considered to be rare based on population cohorts in the Genome Aggregation Database (gnomAD). This alteration is expected to result in loss of function by premature protein truncation or nonsense-mediated mRNA decay. Based on the supporting evidence, this variant is interpreted as a disease-causing mutation.

Labcorp Genetics (formerly Invitae), Labcorp
Classification: Pathogenic for Hereditary breast ovarian cancer syndrome. Last evaluated: 2025-04-24. Review status: criteria provided, single submitter. Criteria: Invitae Variant Classification Sherloc (09022015). Collection method: clinical testing. Allele origin: germline. Not counted in ClinVar's aggregate classification.
Comment: This sequence change creates a premature translational stop signal (p.Glu2924*) in the BRCA2 gene. It is expected to result in an absent or disrupted protein product. Loss-of-function variants in BRCA2 are known to be pathogenic (PMID: 20104584). This variant is not present in population databases (gnomAD no frequency). This premature translational stop signal has been observed in individual(s) with high risk for breast and/or ovarian cancer (PMID: 29446198). ClinVar contains an entry for this variant (Variation ID: 52675). RNA analysis performed to evaluate the impact of this premature translational stop signal on mRNA splicing indicates it does not significantly alter splicing (internal data). For these reasons, this variant has been classified as Pathogenic.

Quest Diagnostics Nichols Institute San Juan Capistrano
Classification: Pathogenic. Last evaluated: 2023-03-24. Review status: criteria provided, single submitter. Criteria: Quest Diagnostics criteria. Collection method: clinical testing. Allele origin: unknown. Not counted in ClinVar's aggregate classification.
Comment: This nonsense variant causes the premature termination of BRCA2 protein synthesis. This variant has not been reported in large, multi-ethnic general populations. In the published literature, the variant has been reported in a worldwide screening study of families with BRCA1 and BRCA2 mutations (PMID: 29446198 (2018)). The variant has also been reported in an individual undergoing multi-gene panel testing (PMID: 28152038 (2017)). Based on the available information, this variant is classified as pathogenic.

All of Us Research Program, National Institutes of Health
Classification: Pathogenic for Breast-ovarian cancer, familial, susceptibility to, 2. Last evaluated: 2023-03-17. Review status: criteria provided, single submitter. Criteria: ACMG Guidelines, 2015. Collection method: clinical testing. Allele origin: germline. Inheritance: Autosomal dominant inheritance. Observed: 1 variant allele, 1 heterozygote. Not counted in ClinVar's aggregate classification.
Comment: This variant changes 1 nucleotide in exon 22 of the BRCA2 gene, creating a premature translation stop signal. This variant is expected to result in an absent or non-functional protein product. This variant has been reported in an individual who underwent genetic testing (PMID: 28152038). This variant has not been identified in the general population by the Genome Aggregation Database (gnomAD). Loss of BRCA2 function is a known mechanism of disease. Based on the available evidence, this variant is classified as Pathogenic.

This study involves interpretation of variants in research participants for the purpose of population health screening. Participant phenotype was not available at the time of variant classification. Additional details can be found in publication PMID: 35346344, PMCID: PMC8962531

Color Diagnostics, LLC DBA Color Health
Classification: Pathogenic for Hereditary cancer-predisposing syndrome. Last evaluated: 2020-02-26. Review status: criteria provided, single submitter. Criteria: ACMG Guidelines, 2015. Collection method: clinical testing. Allele origin: germline. Not counted in ClinVar's aggregate classification.
Comment: This variant changes 1 nucleotide in exon 22 of the BRCA2 gene, creating a premature translation stop signal. This variant is expected to result in an absent or non-functional protein product. This variant has been reported in an individual who underwent genetic testing (PMID: 28152038). This variant has not been identified in the general population by the Genome Aggregation Database (gnomAD). Loss of BRCA2 function is a known mechanism of disease. Based on the available evidence, this variant is classified as Pathogenic.

Blueprint Genetics
Classification: Pathogenic for BRCA2-related disorders. Last evaluated: 2019-07-12. Review status: criteria provided, single submitter. Criteria: ACMG Guidelines, 2015. Collection method: clinical testing. Allele origin: germline. Affected: yes. Observed: 1 variant allele. Not counted in ClinVar's aggregate classification.

Department of Pathology and Molecular Medicine, Queen's University
Classification: Pathogenic for Hereditary breast ovarian cancer syndrome. Last evaluated: 2017-04-20. Review status: criteria provided, single submitter. Criteria: ACMG Guidelines, 2015. Collection method: clinical testing. Allele origin: germline. Study: The Canadian Open Genetics Repository (COGR). Not counted in ClinVar's aggregate classification.

Consortium of Investigators of Modifiers of BRCA1/2 (CIMBA), c/o University of Cambridge
Classification: Pathogenic for Breast-ovarian cancer, familial, susceptibility to, 2. Last evaluated: 2015-10-02. Review status: criteria provided, single submitter. Criteria: CIMBA Mutation Classification guidelines May 2016. Collection method: clinical testing. Allele origin: germline. Not counted in ClinVar's aggregate classification.

BRCAlab, Lund University
Classification: Pathogenic for Breast-ovarian cancer, familial, susceptibility to, 2. Last evaluated: 2020-03-02. Review status: no assertion criteria provided. Collection method: clinical testing. Allele origin: germline. Affected: yes. Not counted in ClinVar's aggregate classification.

Research Molecular Genetics Laboratory, Women's College Hospital, University of Toronto
Classification: Pathogenic for Hereditary breast ovarian cancer syndrome. Last evaluated: 2014-01-31. Review status: no assertion criteria provided. Collection method: research. Allele origin: germline. Affected: yes. Study: The Canadian Open Genetics Repository (COGR). Not counted in ClinVar's aggregate classification.

Sharing Clinical Reports Project (SCRP)
Classification: Pathogenic for Breast-ovarian cancer, familial 2. Last evaluated: 2012-05-01. Review status: no assertion criteria provided. Collection method: clinical testing. Allele origin: germline. Not counted in ClinVar's aggregate classification.

Breast Cancer Information Core (BIC) (BRCA2)
Classification: Pathogenic for Breast-ovarian cancer, familial 2. Last evaluated: 2004-02-20. Review status: no assertion criteria provided. Collection method: clinical testing. Allele origin: germline. Affected: yes. Observed: 4 variant alleles. Not counted in ClinVar's aggregate classification.

Literature cited by the submitters: PubMed 20104584 (cited by Labcorp Genetics (formerly Invitae), Labcorp); PubMed 29446198 (cited by Labcorp Genetics (formerly Invitae), Labcorp and Quest Diagnostics Nichols Institute San Juan Capistrano); PubMed 28152038 (cited by Quest Diagnostics Nichols Institute San Juan Capistrano and All of Us Research Program, National Institutes of Health).

NM_000059.4(BRCA2):c.8770G>T (p.Glu2924Ter)

Gene: BRCA2 (BRCA2 DNA repair associated; plus strand). Cytogenetic location: 13q13.1.
Variant type: single nucleotide variant.
Coding change: c.8770G>T on transcript NM_000059.4 (MANE Select); coding-DNA position 8770, G replaced by T.
Protein change: p.Glu2924Ter; replaces glutamic acid 2924 with a stop codon.
Molecular consequence: nonsense.
Genome position (GRCh38, 1-based): chr13:32,379,332, G>T. VCF-style: chr13-32379332-G-T. GRCh37 (hg19) VCF-style: chr13-32953469-G-T.
Other names: 8998G>T; short protein forms E2924*.
Identifiers: ClinVar variation 52675 (VCV000052675.24), dbSNP rs80359133, ClinGen allele CA025821.